The following is an entry in ClinVar:

ClinVar aggregate classification (germline): Pathogenic. Review status: criteria provided, multiple submitters, no conflicts (2 of 4 stars). 2 submissions from 2 submitters: Pathogenic (2). Last evaluated 2025-06-03.

Conditions:
Familial cancer of breast. Also called: BREAST CANCER, FAMILIAL; Hereditary breast cancer; hereditary breast carcinoma. Identifiers: Orphanet 227535, MedGen C0346153, MONDO:0016419, OMIM 114480. Disease mechanism: loss of function.
Hereditary cancer-predisposing syndrome. Also called: Hereditary Cancer Syndrome; Neoplastic Syndromes, Hereditary; Tumor predisposition; Hereditary neoplastic syndrome. Identifiers: Orphanet 140162, MedGen C0027672, MeSH D009386, MONDO:0015356.

Submissions (2):

Ambry Genetics
Classification: Pathogenic for Hereditary cancer-predisposing syndrome. Last evaluated: 2025-06-03. Review status: criteria provided, single submitter. Criteria: Ambry Variant Classification Scheme 2023. Collection method: clinical testing. Allele origin: germline.
Comment: The c.639delT pathogenic mutation, located in coding exon 4 of the PALB2 gene, results from a deletion of one nucleotide at nucleotide position 639, causing a translational frameshift with a predicted alternate stop codon (p.T214Qfs*9). This variant is considered to be rare based on population cohorts in the Genome Aggregation Database (gnomAD). This alteration is expected to result in loss of function by premature protein truncation or nonsense-mediated mRNA decay. As such, this alteration is interpreted as a disease-causing mutation.

Labcorp Genetics (formerly Invitae), Labcorp
Classification: Pathogenic for Familial cancer of breast. Last evaluated: 2022-06-20. Review status: criteria provided, single submitter. Criteria: Invitae Variant Classification Sherloc (09022015). Collection method: clinical testing. Allele origin: germline.
Comment: For these reasons, this variant has been classified as Pathogenic. ClinVar contains an entry for this variant (Variation ID: 480268). This variant has not been reported in the literature in individuals affected with PALB2-related conditions. This variant is not present in population databases (gnomAD no frequency). This sequence change creates a premature translational stop signal (p.Thr214Glnfs*9) in the PALB2 gene. It is expected to result in an absent or disrupted protein product. Loss-of-function variants in PALB2 are known to be pathogenic (PMID: 17200668, 17200671, 17200672, 24136930, 25099575).

Literature cited by the submitters: PubMed 17200668 (cited by Labcorp Genetics (formerly Invitae), Labcorp); PubMed 17200671 (cited by Labcorp Genetics (formerly Invitae), Labcorp); PubMed 17200672 (cited by Labcorp Genetics (formerly Invitae), Labcorp); PubMed 24136930 (cited by Labcorp Genetics (formerly Invitae), Labcorp); PubMed 25099575 (cited by Labcorp Genetics (formerly Invitae), Labcorp).

NM_024675.4(PALB2):c.639del (p.Thr214fs)

Gene: PALB2 (partner and localizer of BRCA2; minus strand). Cytogenetic location: 16p12.2.
Variant type: Deletion.
Coding change: c.639del on transcript NM_024675.4 (MANE Select); coding-DNA position 639, one base deleted (T; older notation c.639delT).
Protein change: p.Thr214fs; shifts the reading frame from threonine 214.
Molecular consequence: frameshift variant.
Genome position (GRCh38, 1-based): chr16:23,635,907, A deleted on the plus strand (T on the coding strand, the reverse complement: PALB2 is on the minus strand); the first of 2 consecutive A bases (chr16:23,635,907-23,635,908); deleting either gives the same sequence. VCF-style (leftmost placement, unchanged base first): chr16-23635906-TA-T. GRCh37 (hg19) VCF-style: chr16-23647227-TA-T.
Other names: c.639delT (NM_024675.3); short protein forms T214fs.
Identifiers: ClinVar variation 480268 (VCV000480268.14), dbSNP rs1555461695, ClinGen allele CA658658441.